The following is an entry in ClinVar:

ClinVar aggregate classification (germline): Uncertain significance (1 of 4 stars; one submission).

Submission:

Women's Health and Genetics/Laboratory Corporation of America, LabCorp
Classification: Uncertain significance. Last evaluated: 2025-11-20. Review status: criteria provided, single submitter. Criteria: LabCorp Variant Classification Summary - May 2015. Collection method: clinical testing. Allele origin: germline.
Comment: Variant summary: PAH c.912G>C (p.Gln304His) results in a non-conservative amino acid change in the encoded protein sequence. Algorithms developed to predict the effect of missense changes on protein structure and function all suggest that this variant is likely to be disruptive. Several computational tools predict a significant impact on normal splicing: Three predict the variant weakens a 5' donor site, one predicts the variant no significant impact on splicing, and two predict the variant creates a cryptic 3' acceptor site. However, these predictions have yet to be confirmed by functional studies. The variant was absent in 250994 control chromosomes. The available data on variant occurrences in the general population are insufficient to allow any conclusion about variant significance. c.912G>C has been observed in at least one individual affected with Phenylalanine Hydroxylase Deficiency (Phenylketonuria), without strong evidence of causality (example: Fang_2023). This report does not provide unequivocal conclusions about association of the variant with Phenylalanine Hydroxylase Deficiency (Phenylketonuria). To our knowledge, no experimental evidence demonstrating an impact on protein function has been reported. The following publication has been ascertained in the context of this evaluation (PMID: 37004080). No submitters have cited clinical-significance assessments for this variant to ClinVar. Based on the evidence outlined above, the variant was classified as uncertain significance.

Literature cited by the submitters: PubMed 37004080.

NM_000277.3(PAH):c.912G>C (p.Gln304His)

Genes: PAH (phenylalanine hydroxylase; minus strand), LOC126861615 (CDK7 strongly-dependent group 2 enhancer GRCh37_chr12:103244689-103245888; plus strand). Cytogenetic location: 12q23.2.
Variant type: single nucleotide variant.
Coding change: c.912G>C on transcript NM_000277.3 (MANE Select); coding-DNA position 912, G replaced by C.
Protein change: p.Gln304His; replaces glutamine 304 with histidine.
Molecular consequence: missense variant.
Genome position (GRCh38, 1-based): chr12:102,851,687, C>G on the plus strand (G>C on the coding strand, the complement: PAH is on the minus strand). VCF-style: chr12-102851687-C-G. GRCh37 (hg19) VCF-style: chr12-103245465-C-G.
Other names: c.912G>C, p.Gln304His (NM_001354304.2); short protein forms Q304H.
Identifiers: ClinVar variation 4537283 (VCV004537283.1).